The following is an entry in ClinVar:

NM_004082.5(DCTN1):c.1433dup (p.Arg479fs)

Gene: DCTN1 (dynactin subunit 1; minus strand). Cytogenetic location: 2p13.1.
Variant type: Duplication.
Coding change: c.1433dup on transcript NM_004082.5 (MANE Select); coding-DNA position 1433, one base duplicated (C; older notation c.1433dupC).
Protein change: p.Arg479fs; shifts the reading frame from arginine 479.
Molecular consequence: frameshift variant. On other transcripts: non-coding transcript variant (1).
Genome position (GRCh38, 1-based): chr2:74,369,451, G duplicated on the plus strand (C on the coding strand, the reverse complement: DCTN1 is on the minus strand). VCF-style (leftmost placement, unchanged base first): chr2-74369450-T-TG. GRCh37 (hg19) VCF-style: chr2-74596577-T-TG.
Other names: c.1373dup, p.Arg459fs (NM_001135040.3); c.1031dup, p.Arg345fs (NM_001135041.3, NM_023019.4); c.1322dup, p.Arg442fs (NM_001190836.2); c.1412dup, p.Arg472fs (NM_001190837.2); c.1382dup, p.Arg462fs (NM_001378991.1); c.1364dup, p.Arg456fs (NM_001378992.1); c.1433dupC (NM_004082.4); short protein forms R345fs, R442fs, R456fs, R459fs, R462fs, R472fs, R479fs.
Identifiers: ClinVar variation 3748528 (VCV003748528.3).

ClinVar aggregate classification (germline): Uncertain significance. Review status: criteria provided, multiple submitters, no conflicts (2 of 4 stars). 2 submissions from 2 submitters: Uncertain significance (2). Last evaluated 2025-07-30.

Conditions:
DCTN1-related disorder. Also called: DCTN1-related condition.
Amyotrophic lateral sclerosis type 1 (ALS1). Also called: AMYOTROPHIC LATERAL SCLEROSIS 1, FAMILIAL. Identifiers: Orphanet 803, MedGen C1862939, MONDO:0007103, OMIM 105400.
Perry syndrome. Also called: PARKINSONISM WITH ALVEOLAR HYPOVENTILATION AND MENTAL DEPRESSION. Identifiers: Orphanet 178509, MedGen C1868594, MONDO:0008201, OMIM 168605.
Neuronopathy, distal hereditary motor, type 7B. Also called: NEURONOPATHY, DISTAL HEREDITARY MOTOR, AUTOSOMAL DOMINANT 14; NEURONOPATHY, DISTAL HEREDITARY MOTOR, HARDING TYPE VIIB; NEUROPATHY, DISTAL HEREDITARY MOTOR, HARDING TYPE VIIB; NEUROPATHY, DISTAL HEREDITARY MOTOR, WITH VOCAL CORD PARALYSIS, HARDING TYPE VIIB; Distal Hereditary Motor Neuronopathy Type 7B (dHMN7B); HMN VIIB. Identifiers: Orphanet 139589, MedGen C1843315, MONDO:0011879, OMIM 607641.

Submissions (2):

Labcorp Genetics (formerly Invitae), Labcorp
Classification: Uncertain significance for Amyotrophic lateral sclerosis type 1; Neuronopathy, distal hereditary motor, type 7B; Perry syndrome. Last evaluated: 2025-07-30. Review status: criteria provided, single submitter. Criteria: Invitae Variant Classification Sherloc (09022015). Collection method: clinical testing. Allele origin: germline.
Comment: This sequence change creates a premature translational stop signal (p.Arg479Thrfs*2) in the DCTN1 gene. It is expected to result in an absent or disrupted protein product. However, the current clinical and genetic evidence is not sufficient to establish whether loss-of-function variants in DCTN1 cause disease. This variant is not present in population databases (gnomAD no frequency). This variant has not been reported in the literature in individuals affected with DCTN1-related conditions. ClinVar contains an entry for this variant (Variation ID: 3748528). In summary, the available evidence is currently insufficient to determine the role of this variant in disease. Therefore, it has been classified as a Variant of Uncertain Significance.

PreventionGenetics, part of Exact Sciences
Classification: Uncertain significance for DCTN1-related condition. Last evaluated: 2024-11-22. Review status: criteria provided, single submitter. Criteria: ACMG Guidelines, 2015. Collection method: clinical testing. Allele origin: germline.
Comment: The DCTN1 c.1433dupC variant is predicted to result in a frameshift and premature protein termination (p.Arg479Thrfs*2). To our knowledge, this variant has not been reported in the literature or in a large population database (gnomAD), indicating this variant is rare. At this time, the majority of disease-causing DCTN1 variants are missense alterations. A small number of early termination changes have also been reported in affected individuals, but loss-of-function has not been conclusively established as a cause of DCTN1-related disease (Farrer et al. 2009. PubMed ID: 19136952; Caroppo et al. 2014. PubMed ID: 24343258). At this time, the clinical significance of this variant is uncertain due to the absence of conclusive functional and genetic evidence.